The following is an entry in ClinVar:

NM_005761.3(PLXNC1):c.1783T>C (p.Leu595=)

Gene: PLXNC1 (plexin C1; plus strand). Cytogenetic location: 12q22.
Variant type: single nucleotide variant.
Coding change: c.1783T>C on transcript NM_005761.3 (MANE Select); coding-DNA position 1783, T replaced by C.
Protein change: p.Leu595=; no amino-acid change (leucine 595 retained).
Molecular consequence: synonymous variant.
Genome position (GRCh38, 1-based): chr12:94,224,308, T>C. VCF-style: chr12-94224308-T-C. GRCh37 (hg19) VCF-style: chr12-94618084-T-C.
Identifiers: ClinVar variation 2643218 (VCV002643218.24), dbSNP rs116465617, ClinGen allele CA6720635.

ClinVar aggregate classification (germline): Likely benign (1 of 4 stars; one submission).

Allele frequency attached by ClinVar (database versions not stated): 1000 Genomes Project 0.00180; 1000 Genomes Project 30x 0.00187; TOPMed 0.00260; ESP Exome Variant Server 0.00331; gnomAD 0.00357; ExAC 0.00422; gnomAD exomes 0.00429.
gnomAD v4.1: 6,175 of 1,483,250 alleles (0.42%); highest among the groups gnomAD compares: Non-Finnish European, 0.51%; 42 homozygotes.

Submission:

CeGaT Center for Human Genetics Tuebingen
Classification: Likely benign. Last evaluated: 2022-12-01. Review status: criteria provided, single submitter. Criteria: CeGaT Center For Human Genetics Tuebingen Variant Classification Criteria Version 2. Collection method: clinical testing. Allele origin: germline. Affected: yes. Observed: 1 variant allele.
Comment: PLXNC1: BP4, BP7, BS2